The following is an entry in ClinVar:

ClinVar aggregate classification (germline): Conflicting classifications of pathogenicity. Review status: criteria provided, conflicting classifications (1 of 4 stars). 9 submissions from 7 submitters: Uncertain significance (3); Benign (1); Likely benign (4). 1 of the submissions does not count toward it. Last evaluated 2025-12-24.

Conditions:
SDHA-related disorder. Also called: SDHA-related condition; SDHA-related disorders.
Mitochondrial complex II deficiency, nuclear type 1. Also called: SUCCINATE CoQ REDUCTASE DEFICIENCY. Identifiers: Orphanet 3208, MedGen C5700310, MONDO:0100294, OMIM 252011.
Pheochromocytoma/paraganglioma syndrome 5. Also called: Paragangliomas 5; SDHA-Related Hereditary Paraganglioma-Pheochromocytoma Syndrome. Identifiers: Orphanet 29072, MedGen C3279992, MONDO:0013602, OMIM 614165.
Hereditary cancer-predisposing syndrome. Also called: Tumor predisposition; Hereditary neoplastic syndrome; Hereditary Cancer Syndrome; Neoplastic Syndromes, Hereditary. Identifiers: Orphanet 140162, MedGen C0027672, MeSH D009386, MONDO:0015356.
Hereditary pheochromocytoma and paraganglioma. Also called: Hereditary paragangliomas and pheochromocytomas; Hereditary pheochromocytoma-paraganglioma; Hereditary Paraganglioma-Pheochromocytoma Syndromes. Identifiers: Orphanet 29072, MedGen C4274332, MONDO:0017366.
Leigh syndrome (NULS). Also called: Leigh's necrotizing encephalopathy; Leigh's disease; Leigh Syndrome (mtDNA deletion); LEIGH SYNDROME, NUCLEAR; Leigh's syndrome; Leigh Disease. Identifiers: Orphanet 506, MedGen C2931891, MONDO:0009723, OMIM 256000.

Allele frequency attached by ClinVar (database versions not stated): TOPMed 0.00002; ExAC 0.00003; gnomAD 0.00003 and 0.00004.
gnomAD v4.1: 75 of 1,614,100 alleles (0.0046%); highest among the groups gnomAD compares: Non-Finnish European, 0.0054%; no homozygotes.

Submissions (9):

Labcorp Genetics (formerly Invitae), Labcorp
Classification: Likely benign for Pheochromocytoma/paraganglioma syndrome 5; Mitochondrial complex II deficiency, nuclear type 1. Last evaluated: 2025-12-24. Review status: criteria provided, single submitter. Criteria: Invitae Variant Classification Sherloc (09022015). Collection method: clinical testing. Allele origin: germline.

Myriad Genetics, Inc.
Classification: Benign for Pheochromocytoma/paraganglioma syndrome 5. Last evaluated: 2025-03-07. Review status: criteria provided, single submitter. Criteria: Myriad Autosomal Dominant, Autosomal Recessive and X-Linked Classification Criteria (2023). Collection method: clinical testing. Allele origin: unknown.
Comment: This variant is considered benign. This variant is a silent/synonymous amino acid change and it is not expected to impact splicing.

Blueprint Genetics
Classification: Likely benign. Last evaluated: 2024-10-30. Review status: criteria provided, single submitter. Criteria: ACMG Guidelines, 2015. Collection method: clinical testing. Allele origin: germline.

CeGaT Center for Human Genetics Tuebingen
Classification: Likely benign. Last evaluated: 2023-04-01. Review status: criteria provided, single submitter. Criteria: CeGaT Center For Human Genetics Tuebingen Variant Classification Criteria Version 2. Collection method: clinical testing. Allele origin: germline. Affected: yes. Observed: 2 variant alleles.
Comment: SDHA: BP4, BP7

Illumina Laboratory Services, Illumina
Classification: Uncertain significance for Hereditary Paraganglioma-Pheochromocytoma Syndromes. Last evaluated: 2018-01-13. Review status: criteria provided, single submitter. Criteria: ICSL Variant Classification Criteria 13 December 2019. Collection method: clinical testing. Allele origin: germline.

Illumina Laboratory Services, Illumina
Classification: Uncertain significance for Mitochondrial complex II deficiency, nuclear type 1. Last evaluated: 2018-01-13. Review status: criteria provided, single submitter. Criteria: ICSL Variant Classification Criteria 13 December 2019. Collection method: clinical testing. Allele origin: germline.

Illumina Laboratory Services, Illumina
Classification: Uncertain significance for Leigh syndrome. Last evaluated: 2018-01-13. Review status: criteria provided, single submitter. Criteria: ICSL Variant Classification Criteria 13 December 2019. Collection method: clinical testing. Allele origin: germline.

Ambry Genetics
Classification: Likely benign for Hereditary cancer-predisposing syndrome. Last evaluated: 2016-03-18. Review status: criteria provided, single submitter. Criteria: Ambry Variant Classification Scheme 2023. Collection method: clinical testing. Allele origin: germline.

PreventionGenetics, part of Exact Sciences
Classification: Likely benign for SDHA-related condition. Last evaluated: 2022-12-21. Review status: no assertion criteria provided. Collection method: clinical testing. Allele origin: germline. Not counted in ClinVar's aggregate classification.
Comment: This variant is classified as likely benign based on ACMG/AMP sequence variant interpretation guidelines (Richards et al. 2015 PMID: 25741868, with internal and published modifications).

NM_004168.4(SDHA):c.1014G>A (p.Ala338=)

Gene: SDHA (succinate dehydrogenase complex flavoprotein subunit A; plus strand). Cytogenetic location: 5p15.33.
Variant type: single nucleotide variant.
Coding change: c.1014G>A on transcript NM_004168.4 (MANE Select); coding-DNA position 1014, G replaced by A.
Protein change: p.Ala338=; no amino-acid change (alanine 338 retained).
Molecular consequence: synonymous variant.
Genome position (GRCh38, 1-based): chr5:233,595, G>A. VCF-style: chr5-233595-G-A. GRCh37 (hg19) VCF-style: chr5-233710-G-A.
Other names: c.870G>A, p.Ala290= (NM_001294332.2); c.1014G>A, p.Ala338= (NM_001330758.2).
Identifiers: ClinVar variation 417246 (VCV000417246.58), dbSNP rs201341132, ClinGen allele CA3173065.
Genomic context (GRCh38, chr5:233,595, plus strand): 5'-CATTAACAGTCAAGGCGAAAGGTTTATGGAGCGATACGCCCCTGTCGCGAAGGACCTGGC[G>A]TCTAGAGATGTGGTGTCTCGGTCCATGACTCTGGAGATCCGAGAAGGAAGGTGCGTGTGA-3'
Protein context (NP_004159.2, residues 328-348): ERYAPVAKDL[Ala338=]SRDVVSRSMT